The following is an entry in ClinVar:

ClinVar aggregate classification (germline): Uncertain significance (1 of 4 stars; one submission).

Submission:

Labcorp Genetics (formerly Invitae), Labcorp
Classification: Uncertain significance. Last evaluated: 2022-02-27. Review status: criteria provided, single submitter. Criteria: Invitae Variant Classification Sherloc (09022015). Collection method: clinical testing. Allele origin: germline.
Comment: This sequence change replaces serine, which is neutral and polar, with proline, which is neutral and non-polar, at codon 186 of the RP1L1 protein (p.Ser186Pro). In summary, the available evidence is currently insufficient to determine the role of this variant in disease. Therefore, it has been classified as a Variant of Uncertain Significance. Advanced modeling of protein sequence and biophysical properties (such as structural, functional, and spatial information, amino acid conservation, physicochemical variation, residue mobility, and thermodynamic stability) performed at Invitae indicates that this missense variant is expected to disrupt RP1L1 protein function. This variant has not been reported in the literature in individuals affected with RP1L1-related conditions. This variant is present in population databases (rs201308431, gnomAD 0.006%).

NM_178857.6(RP1L1):c.556T>C (p.Ser186Pro)

Gene: RP1L1 (RP1 like 1). Cytogenetic location: 8p23.1.
Variant type: single nucleotide variant.
Coding change: c.556T>C on transcript NM_178857.6 (MANE Select); coding-DNA position 556, T replaced by C.
Protein change: p.Ser186Pro; replaces serine 186 with proline.
Molecular consequence: missense variant.
Genome position (GRCh38, 1-based): chr8:10,622,646, A>G on the plus strand (T>C on the coding strand, the complement: RP1L1 is on the minus strand). VCF-style: chr8-10622646-A-G. GRCh37 (hg19) VCF-style: chr8-10480156-A-G.
Other names: short protein forms S186P.
Identifiers: ClinVar variation 1392829 (VCV001392829.8), dbSNP rs201308431, ClinGen allele CA4625645.
Genomic context (GRCh38, chr8:10,622,646, plus strand): 5'-AGCCTACCTTTTTCCCGCTGGTCGTGTACAACTGCTTCACAGGAAAGCGCAGGAGATCTG[A>G]GGCTTTGCCGAGAAAGGCGGCCAGGTTCCTAGTATTCCTGTGACTGAGAACCACTGTCTG-3'
Protein context (NP_849188.4, residues 176-196): RNLAAFLGKA[Ser186Pro]DLLRFPVKQL